The following is an entry in ClinVar:

NM_002353.2(TACSTD2):c.-43393_*17422del

Genes: TACSTD2 (tumor associated calcium signal transducer 2; minus strand), LOC120893139 (Sharpr-MPRA regulatory region 14294; plus strand), LOC122056889 (Sharpr-MPRA regulatory region 6655; plus strand), LOC126805737 (MED14-independent group 3 enhancer GRCh37_chr1:59049763-59050962; plus strand), LOC129930613 (ATAC-STARR-seq lymphoblastoid active region 1084; plus strand) and 1 more. Cytogenetic location: 1p32.1.
Variant type: Deletion.
Coding change: c.-43393_*17422del on transcript NM_002353.2; 43393 bases upstream of the start codon through 17422 bases downstream of the stop codon, this stretch deleted.
Identifiers: ClinVar variation 156739 (VCV000156739.2).

ClinVar aggregate classification (germline): not provided (0 of 4 stars; one submission).

Conditions:
Small for gestational age. Also called: Low birth weight. Identifiers: MedGen C0235991, HP:0001518.

Submission:

Institute of Molecular and Cell Biology, University of Tartu
No classification provided. Condition: Small for gestational age. Review status: no classification provided. Collection method: case-control. Allele origin: unknown. Affected: yes. Study: Kasak2014.
Comment: The study aimed to determine the contribution of copy number variants in the genetic etiology of normal and complicated pregnancies. The samples represented (i) maternal blood DNA drawn from healthy pregnant women during 1st or 2nd trimester and (ii) maternal and paternal blood DNA drawn at term pregnancy cases representing normal and complicated gestations (severe preeclampsia, PE; gestational diabetes, GD; small-for-gestational age newborn, SGA; large-for-gestational age newborn, LGA). We performed CNV calling based on genome-wide genotyping dataset (Illumina HumanOmniExpress-24-v1 BeadChip) by applying three algorithms, QuantiSNP, GADA (Genome Alteration Detection Algorithm) and CNstream in parallel. The acquired CNV calls were merged with HD-CNV (Hotspot Detector for Copy Number Variants) program and only the CNVs predicted by at least two programs, were considered in subsequent analysis.

Literature cited by the submitters: PubMed 25666259.